The following is an entry in ClinVar:

NM_001184.4(ATR):c.2768A>G (p.Gln923Arg)

Gene: ATR (ATR checkpoint kinase; minus strand). Cytogenetic location: 3q23.
Variant type: single nucleotide variant.
Coding change: c.2768A>G on transcript NM_001184.4 (MANE Select); coding-DNA position 2768, A replaced by G.
Protein change: p.Gln923Arg; replaces glutamine 923 with arginine.
Molecular consequence: missense variant.
Genome position (GRCh38, 1-based): chr3:142,553,264, T>C on the plus strand (A>G on the coding strand, the complement: ATR is on the minus strand). VCF-style: chr3-142553264-T-C. GRCh37 (hg19) VCF-style: chr3-142272106-T-C.
Other names: c.2576A>G, p.Gln859Arg (NM_001354579.2); short protein forms Q923R, Q859R.
Identifiers: ClinVar variation 1795758 (VCV001795758.2), dbSNP rs779461050, ClinGen allele CA2650283.
Genomic context (GRCh38, chr3:142,553,264, plus strand): 5'-TCCAGACAAACGCTGACTCTTACCTGACAGATGGGTTTCTTATACTGGCTGAAAAAACTT[T>C]GCAGTTTAACACTTTTAGCTGCAACCAGAGCTCTAATTTCTGTGTATGCTGCTCCAGAGA-3'
Protein context (NP_001175.2, residues 913-933): ALVAAKSVKL[Gln923Arg]SFFSQYKKPI

ClinVar aggregate classification (germline): Uncertain significance (1 of 4 stars; one submission).

Conditions:
Inborn genetic diseases. Identifiers: MedGen C0950123, MeSH D030342.

Allele frequency attached by ClinVar (database versions not stated): ExAC 0.00001; gnomAD exomes 0.00002.
gnomAD v4.1: 14 of 1,614,178 alleles (0.00087%); highest among the groups gnomAD compares: Non-Finnish European, 0.0012%; no homozygotes.

Submission:

Ambry Genetics
Classification: Uncertain significance for Inborn genetic diseases. Last evaluated: 2022-10-09. Review status: criteria provided, single submitter. Criteria: Ambry Variant Classification Scheme 2023. Collection method: clinical testing. Allele origin: germline.
Comment: The p.Q923R variant (also known as c.2768A>G), located in coding exon 13 of the ATR gene, results from an A to G substitution at nucleotide position 2768. The glutamine at codon 923 is replaced by arginine, an amino acid with highly similar properties. This amino acid position is conserved. In addition, the in silico prediction for this alteration is inconclusive. Since supporting evidence is limited at this time, the clinical significance of this alteration remains unclear.